The following is an entry in ClinVar:

ClinVar aggregate classification (germline): Pathogenic (1 of 4 stars; one submission).

Conditions:
Zellweger spectrum disorders (ZS). Also called: Zellweger Spectrum Disorder; Zellweger Spectrum; Zellweger Spectrum Disorder (ZSD); Zellweger syndrome. Identifiers: Orphanet 912, MedGen C0043459, MONDO:0019609.

Submission:

Labcorp Genetics (formerly Invitae), Labcorp
Classification: Pathogenic for Zellweger spectrum disorders. Last evaluated: 2026-01-09. Review status: criteria provided, single submitter. Criteria: Invitae Variant Classification Sherloc (09022015). Collection method: clinical testing. Allele origin: germline.
Comment: This sequence change creates a premature translational stop signal (p.Phe143Serfs*5) in the PEX1 gene. It is expected to result in an absent or disrupted protein product. Loss-of-function variants in PEX1 are known to be pathogenic (PMID: 21031596, 26387595, 31831025). This variant is not present in population databases (gnomAD no frequency). This variant has not been reported in the literature in individuals affected with PEX1-related conditions. For these reasons, this variant has been classified as Pathogenic.

Literature cited by the submitters: PubMed 21031596; PubMed 26387595; PubMed 31831025.

NM_000466.3(PEX1):c.428_429del (p.Phe143fs)

Gene: PEX1 (peroxisomal biogenesis factor 1; minus strand). Cytogenetic location: 7q21.2.
Variant type: Deletion.
Coding change: c.428_429del on transcript NM_000466.3 (MANE Select); coding-DNA positions 428 to 429, 2 bases deleted (TT; older notation c.428_429delTT).
Protein change: p.Phe143fs; shifts the reading frame from phenylalanine 143.
Molecular consequence: frameshift variant. On other transcripts: 5 prime UTR variant (1).
Genome position (GRCh38, 1-based): chr7:92,518,184-92,518,185, AA deleted on the plus strand (TT on the coding strand, the reverse complement: PEX1 is on the minus strand); deleting any 2 consecutive bases within chr7:92,518,184-92,518,188 gives the same sequence; the c. name uses the placement nearest the transcript's 3' end. VCF-style (leftmost placement, unchanged base first): chr7-92518183-GAA-G. GRCh37 (hg19) VCF-style: chr7-92147497-GAA-G.
Other names: c.428_429del, p.Phe143fs (NM_001282677.2); c.-197_-196del (NM_001282678.2); short protein forms F143fs.
Identifiers: ClinVar variation 4766490 (VCV004766490.1).
Genomic context (GRCh38, chr7:92,518,183, plus strand): 5'-TATTACAATAGCACCTACCAATTTGGATAAATATGTACGTTTGTTGATCAACCCAAACAG[GAA>G]AAATGGCTTTTGGAAAAACTATTCGAATTTGATCTAGAAGATGTTGTTCAAGGGAAACAG-3'